The following is an entry in ClinVar:

NM_005481.3(MED16):c.1944C>T (p.Asp648=)

Gene: MED16 (mediator complex subunit 16; minus strand). Cytogenetic location: 19p13.3.
Variant type: single nucleotide variant.
Coding change: c.1944C>T on transcript NM_005481.3 (MANE Select); coding-DNA position 1944, C replaced by T.
Protein change: p.Asp648=; no amino-acid change (aspartic acid 648 retained).
Molecular consequence: synonymous variant.
Genome position (GRCh38, 1-based): chr19:872,080, G>A on the plus strand (C>T on the coding strand, the complement: MED16 is on the minus strand). VCF-style: chr19-872080-G-A. GRCh37 (hg19) VCF-style: chr19-872080-G-A.
Identifiers: ClinVar variation 4872229 (VCV004872229.2).
Genomic context (GRCh38, chr19:872,080, plus strand): 5'-CAGAAGGCCCCAGATGCGGATGACCACCATCAATTCCCGAAGCATGCCCAGCGAGGTGCC[G>A]TCCCGCAGAAAGCTGTGGCCCGGCCTCAGCAGGGAACCCTGCCCGAAAGAGGCATCGGTG-3'
Protein context (NP_005472.2, residues 638-658): LLRPGHSFLR[Asp648=]GTSLGMLREL

ClinVar aggregate classification (germline): Likely benign (1 of 4 stars; one submission).

Submission:

CeGaT Center for Human Genetics Tuebingen
Classification: Likely benign. Last evaluated: 2026-04-01. Review status: criteria provided, single submitter. Criteria: CeGaT Center For Human Genetics Tuebingen Variant Classification Criteria Version 2. Collection method: clinical testing. Allele origin: germline. Affected: yes. Observed: 1 variant allele.
Comment: MED16: BP4, BP7